The following is an entry in ClinVar:

NM_147127.5(EVC2):c.2248G>A (p.Glu750Lys)

Gene: EVC2 (EvC ciliary complex subunit 2; minus strand). Cytogenetic location: 4p16.2.
Variant type: single nucleotide variant.
Coding change: c.2248G>A on transcript NM_147127.5 (MANE Select); coding-DNA position 2248, G replaced by A.
Protein change: p.Glu750Lys; replaces glutamic acid 750 with lysine.
Molecular consequence: missense variant.
Genome position (GRCh38, 1-based): chr4:5,622,790, C>T on the plus strand (G>A on the coding strand, the complement: EVC2 is on the minus strand). VCF-style: chr4-5622790-C-T. GRCh37 (hg19) VCF-style: chr4-5624517-C-T.
Other names: c.2008G>A, p.Glu670Lys (NM_001166136.2); short protein forms E750K, E670K.
Identifiers: ClinVar variation 349061 (VCV000349061.13), dbSNP rs144270330, ClinGen allele CA2834770.

ClinVar aggregate classification (germline): Uncertain significance. Review status: criteria provided, multiple submitters, no conflicts (2 of 4 stars). 2 submissions from 2 submitters: Uncertain significance (2). Last evaluated 2024-06-26.

Conditions:
Ellis-van Creveld syndrome (EVC). Also called: EVC-Related Ellis-van Creveld Syndrome; EVC2-Related Ellis-van Creveld Syndrome; MESOECTODERMAL DYSPLASIA; Chondroectodermal dysplasia. Identifiers: Orphanet 289, MedGen C0013903, MONDO:0009162, OMIM 225500.
Curry-Hall syndrome (WAD). Also called: WEYERS ACRODENTAL DYSOSTOSIS. Identifiers: Orphanet 952, MedGen C0457013, MONDO:0008673, OMIM 193530.

Allele frequency attached by ClinVar (database versions not stated): gnomAD 0.00006 and 0.00005; ESP Exome Variant Server 0.00031; gnomAD exomes 0.00002; TOPMed 0.00003; ExAC 0.00005.
gnomAD v4.1: 36 of 1,614,056 alleles (0.0022%); highest among the groups gnomAD compares: African/African-American, 0.012%; no homozygotes.

Submissions (2):

Labcorp Genetics (formerly Invitae), Labcorp
Classification: Uncertain significance for Curry-Hall syndrome; Ellis-van Creveld syndrome. Last evaluated: 2024-06-26. Review status: criteria provided, single submitter. Criteria: Invitae Variant Classification Sherloc (09022015). Collection method: clinical testing. Allele origin: germline.
Comment: This sequence change replaces glutamic acid, which is acidic and polar, with lysine, which is basic and polar, at codon 750 of the EVC2 protein (p.Glu750Lys). This variant is present in population databases (rs144270330, gnomAD 0.03%). This variant has not been reported in the literature in individuals affected with EVC2-related conditions. ClinVar contains an entry for this variant (Variation ID: 349061). An algorithm developed to predict the effect of missense changes on protein structure and function (PolyPhen-2) suggests that this variant is likely to be tolerated. In summary, the available evidence is currently insufficient to determine the role of this variant in disease. Therefore, it has been classified as a Variant of Uncertain Significance.

Illumina Laboratory Services, Illumina
Classification: Uncertain significance for Ellis-van Creveld syndrome. Last evaluated: 2018-01-13. Review status: criteria provided, single submitter. Criteria: ICSL Variant Classification Criteria 13 December 2019. Collection method: clinical testing. Allele origin: germline.